The following is an entry in ClinVar:

NM_007118.4(TRIO):c.9078C>A (p.Phe3026Leu)

Gene: TRIO (trio Rho guanine nucleotide exchange factor; plus strand). Cytogenetic location: 5p15.2.
Variant type: single nucleotide variant.
Coding change: c.9078C>A on transcript NM_007118.4 (MANE Select); coding-DNA position 9078, C replaced by A.
Protein change: p.Phe3026Leu; replaces phenylalanine 3026 with leucine.
Molecular consequence: missense variant. On other transcripts: non-coding transcript variant (1).
Genome position (GRCh38, 1-based): chr5:14,508,206, C>A. VCF-style: chr5-14508206-C-A. GRCh37 (hg19) VCF-style: chr5-14508315-C-A.
Other names: short protein forms F3026L.
Identifiers: ClinVar variation 3777550 (VCV003777550.1).

ClinVar aggregate classification (germline): Uncertain significance (1 of 4 stars; one submission).

Submission:

GeneDx
Classification: Uncertain significance. Last evaluated: 2024-10-08. Review status: criteria provided, single submitter. Criteria: GeneDx Variant Classification Process June 2021. Collection method: clinical testing. Allele origin: germline. Affected: yes.
Comment: Not observed at significant frequency in large population cohorts (gnomAD); In silico analysis supports that this missense variant has a deleterious effect on protein structure/function; Has not been previously published as pathogenic or benign to our knowledge